The following is an entry in ClinVar:

GRCh37/hg19 9p23-22.3(chr9:13594876-14543548)x1

Gene: NFIB (nuclear factor I B; minus strand). Cytogenetic location: 9p23-22.3.
Variant type: copy number loss.
Change: copy number 1 (one copy instead of two) of chr9:13,594,876-14,543,548 (948.7 kb, GRCh37 coordinates, 1-based), cytogenetic band 9p23-22.3.
Identifiers: ClinVar variation 4682738 (VCV004682738.1).

ClinVar aggregate classification (germline): Pathogenic (1 of 4 stars; one submission).

Submission:

Quest Diagnostics Nichols Institute San Juan Capistrano
Classification: Pathogenic. Last evaluated: 2024-09-24. Review status: criteria provided, single submitter. Criteria: ACMG/ClinGen CNV Guidelines, 2019. Collection method: clinical testing. Allele origin: unknown.
Comment: This deletion involves a single protein-coding gene, NFIB (OMIM 600728). Heterozygous loss-of-function variants of NFIB are associated with autosomal dominant acquired macrocephaly with impaired intellectual development (MACID; OMIM 618286; Barrus 2020, Blakes 2022, Halfmeyer 2022, Iossifov 2014, Kaplanis 2020, Schanze 2018). Variable expressivity has been observed among affected family members. Based on current medical literature, this copy number variant (CNV) is classified as pathogenic. References: Barrus et al., Am J Med Genet A. 2020 Dec;182(12):2959-2963. PMID: 32902921 Blakes et al., Genome Med. 2022 Jul 26;14(1):79. PMID: 35883178 Halfmeyer et al., Genes (Basel). 2022 Dec 22;14(1):30. PMID: 36672771 Iossifov et al., Nature. 2014 Nov 13;515(7526):216-21. PMID: 25363768 Kaplanis et al., Nature. 2020 Oct;586(7831):757-762. PMID: 33057194 Schanze et al., Am J Hum Genet. 2018 Nov 1;103(5):752-768. PMID: 30388402